The following is an entry in ClinVar:

NM_198253.3(TERT):c.1951G>A (p.Ala651Thr)

Gene: TERT (telomerase reverse transcriptase; minus strand). Cytogenetic location: 5p15.33.
Variant type: single nucleotide variant.
Coding change: c.1951G>A on transcript NM_198253.3 (MANE Select); coding-DNA position 1951, G replaced by A.
Protein change: p.Ala651Thr; replaces alanine 651 with threonine.
Molecular consequence: missense variant. On other transcripts: non-coding transcript variant (2).
Genome position (GRCh38, 1-based): chr5:1,279,470, C>T on the plus strand (G>A on the coding strand, the complement: TERT is on the minus strand). VCF-style: chr5-1279470-C-T. GRCh37 (hg19) VCF-style: chr5-1279585-C-T.
Other names: c.1951G>A, p.Ala651Thr (NM_001193376.3); short protein forms A651T.
Identifiers: ClinVar variation 3455148 (VCV003455148.1).

ClinVar aggregate classification (germline): Uncertain significance (1 of 4 stars; one submission).

Conditions:
Dyskeratosis congenita. Identifiers: Orphanet 1775, MedGen C0265965, MONDO:0015780.

Submission:

Ambry Genetics
Classification: Uncertain significance for Dyskeratosis congenita. Last evaluated: 2024-11-16. Review status: criteria provided, single submitter. Criteria: Ambry Variant Classification Scheme 2023. Collection method: clinical testing. Allele origin: germline.
Comment: The p.A651T variant (also known as c.1951G>A) is located in coding exon 5 of the TERT gene. The alanine at codon 651 is replaced by threonine, an amino acid with similar properties. This change occurs in the first base pair of coding exon 5. This amino acid position is conserved. In addition, this alteration is predicted to be tolerated by in silico analysis. Based on the available evidence, the clinical significance of this variant remains unclear.